The following is an entry in ClinVar:

ClinVar aggregate classification (germline): Likely pathogenic (1 of 4 stars; one submission).

Conditions:
Autosomal recessive limb-girdle muscular dystrophy type 2J (LGMDR10). Also called: Limb-girdle muscular dystrophy, type 2J; MUSCULAR DYSTROPHY, LIMB-GIRDLE, AUTOSOMAL RECESSIVE 10. Identifiers: Orphanet 140922, MedGen C1837342, MONDO:0012127, OMIM 608807.
Dilated cardiomyopathy 1G (CMD1G). Identifiers: Orphanet 154, MedGen C1858763, MONDO:0011400, OMIM 604145.

Submission:

Labcorp Genetics (formerly Invitae), Labcorp
Classification: Likely pathogenic for Dilated cardiomyopathy 1G; Autosomal recessive limb-girdle muscular dystrophy type 2J. Last evaluated: 2024-10-17. Review status: criteria provided, single submitter. Criteria: Invitae Variant Classification Sherloc (09022015). Collection method: clinical testing. Allele origin: germline.
Comment: This sequence change creates a premature translational stop signal (p.Val3355Serfs*19) in the TTN gene. While this is not anticipated to result in nonsense mediated decay, it is expected to create a truncated TTN protein. This variant is not present in population databases (gnomAD no frequency). This variant has not been reported in the literature in individuals affected with TTN-related conditions. ClinVar contains an entry for this variant (Variation ID: 534999). This variant is located in the I band of TTN (PMID: 25589632). Truncating variants in this region have been reported in individuals affected with autosomal recessive centronuclear myopathy (PMID: 23975875, internal data). Truncating variants in this region have also been identified in individuals affected with autosomal dominant dilated cardiomyopathy and/or cardio-related conditions (PMID: 27869827, 32964742, internal data). In summary, the currently available evidence indicates that the variant is pathogenic, but additional data are needed to prove that conclusively. Therefore, this variant has been classified as Likely Pathogenic.

Literature cited by the submitters: PubMed 25589632; PubMed 23975875; PubMed 27869827; PubMed 32964742.

NM_001267550.2(TTN):c.10062del (p.Val3355fs)

Gene: TTN (titin; minus strand). Cytogenetic location: 2q31.2.
Variant type: Deletion.
Coding change: c.10062del on transcript NM_001267550.2 (MANE Select); coding-DNA position 10062, one base deleted (T; older notation c.10062delT).
Protein change: p.Val3355fs; shifts the reading frame from valine 3355.
Molecular consequence: frameshift variant.
Genome position (GRCh38, 1-based): chr2:178,764,229, A deleted on the plus strand (T on the coding strand, the reverse complement: TTN is on the minus strand). VCF-style (leftmost placement, unchanged base first): chr2-178764228-CA-C. GRCh37 (hg19) VCF-style: chr2-179628955-CA-C.
Other names: c.10062delT (NM_001267550.2); c.10062del, p.Val3355fs (NM_001256850.1, NM_133378.4, NM_133379.5); c.9924del, p.Val3309fs (NM_003319.4, NM_133432.3, NM_133437.4); short protein forms V3309fs, V3355fs.
Identifiers: ClinVar variation 534999 (VCV000534999.9), dbSNP rs1553983844, ClinGen allele CA658796054.
Genomic context (GRCh38, chr2:178,764,228, plus strand): 5'-TAAACCTACCTGTTCCAGAAACCCGGCATTGAAAACGGGCTGGCTGCCCTTCAGAAGTGA[CA>C]GTGTCCTGAAGCGGGGTGATGATGGCAGGTGGATAAACAGGCATTTCCTGATCAGGAGAC-3'